The following is an entry in ClinVar:

NM_015272.5(RPGRIP1L):c.3295-4A>G

Gene: RPGRIP1L (RPGRIP1 like; minus strand). Cytogenetic location: 16q12.2.
Variant type: single nucleotide variant.
Coding change: c.3295-4A>G on transcript NM_015272.5 (MANE Select); 4 bases into the intron before coding-DNA position 3295, A replaced by G.
Molecular consequence: intron variant.
Genome position (GRCh38, 1-based): chr16:53,622,360, T>C on the plus strand (A>G on the coding strand, the complement: RPGRIP1L is on the minus strand). VCF-style: chr16-53622360-T-C. GRCh37 (hg19) VCF-style: chr16-53656272-T-C.
Other names: c.3193-4A>G (NM_001330538.2); c.3295-3152A>G (NM_001308334.3); c.3193-3152A>G (NM_001127897.4); c.3295-4A>G (NM_015272.4).
Identifiers: ClinVar variation 2151191 (VCV002151191.5), dbSNP rs1346150250, ClinGen allele CA721634938.

ClinVar aggregate classification (germline): Likely benign. Review status: criteria provided, multiple submitters, no conflicts (2 of 4 stars). 2 submissions from 2 submitters: Likely benign (2). Last evaluated 2026-04-23.

Conditions:
RPGRIP1L-related disorder. Also called: RPGRIP1L-related condition; RPGRIP1L-related disorders. Identifiers: MedGen CN239416.
Joubert syndrome. Also called: JOUBERT-BOLTSHAUSER SYNDROME; Familial aplasia of the vermis. Identifiers: Orphanet 475, MedGen C5979921, MONDO:0018772.
Meckel-Gruber syndrome. Also called: DYSENCEPHALIA SPLANCHNOCYSTICA; GRUBER SYNDROME; Dysencephalia splachnocystica. Identifiers: Orphanet 564, MedGen C0265215, MONDO:0018921.

Allele frequency attached by ClinVar (database versions not stated): gnomAD exomes below 0.00001.
gnomAD v4.1: 1 of 571,456 alleles (0.00017%); highest among the groups gnomAD compares: Non-Finnish European, 0.00031%; no homozygotes.

Submissions (2):

PreventionGenetics, part of Exact Sciences
Classification: Likely benign for RPGRIP1L-related condition. Last evaluated: 2026-04-23. Review status: criteria provided, single submitter. Criteria: ACMG Guidelines, 2015. Collection method: clinical testing. Allele origin: germline.
Comment: This variant is classified as likely benign based on ACMG/AMP sequence variant interpretation guidelines (Richards et al. 2015 PMID: 25741868, with internal and published modifications).

Labcorp Genetics (formerly Invitae), Labcorp
Classification: Likely benign for Joubert syndrome; Meckel-Gruber syndrome. Last evaluated: 2022-07-21. Review status: criteria provided, single submitter. Criteria: Invitae Variant Classification Sherloc (09022015). Collection method: clinical testing. Allele origin: germline.